The following is an entry in ClinVar:

ClinVar aggregate classification (germline): Conflicting classifications of pathogenicity. Review status: criteria provided, conflicting classifications (1 of 4 stars). 3 submissions from 3 submitters: Uncertain significance (1); Likely benign (2). Last evaluated 2025-12-19.

Allele frequency attached by ClinVar (database versions not stated): 1000 Genomes Project 30x 0.00016; 1000 Genomes Project 0.00020; TOPMed 0.00026; ESP Exome Variant Server 0.00040; gnomAD 0.00044.
gnomAD v4.1: 563 of 1,613,626 alleles (0.035%); highest among the groups gnomAD compares: Middle Eastern, 0.049%; no homozygotes.

Submissions (3):

Labcorp Genetics (formerly Invitae), Labcorp
Classification: Likely benign. Last evaluated: 2025-12-19. Review status: criteria provided, single submitter. Criteria: Invitae Variant Classification Sherloc (09022015). Collection method: clinical testing. Allele origin: germline.

Blueprint Genetics
Classification: Likely benign. Last evaluated: 2024-11-18. Review status: criteria provided, single submitter. Criteria: ACMG Guidelines, 2015. Collection method: clinical testing. Allele origin: germline.

CeGaT Center for Human Genetics Tuebingen
Classification: Uncertain significance. Last evaluated: 2024-10-01. Review status: criteria provided, single submitter. Criteria: CeGaT Center For Human Genetics Tuebingen Variant Classification Criteria Version 2. Collection method: clinical testing. Allele origin: germline. Affected: yes. Observed: 1 variant allele.
Comment: SPEG: PM2:Supporting, BP4

NM_005876.5(SPEG):c.5055C>T (p.Ile1685=)

Gene: SPEG (striated muscle enriched protein kinase; plus strand). Cytogenetic location: 2q35.
Variant type: single nucleotide variant.
Coding change: c.5055C>T on transcript NM_005876.5 (MANE Select); coding-DNA position 5055, C replaced by T.
Protein change: p.Ile1685=; no amino-acid change (isoleucine 1685 retained).
Molecular consequence: synonymous variant.
Genome position (GRCh38, 1-based): chr2:219,479,171, C>T. VCF-style: chr2-219479171-C-T. GRCh37 (hg19) VCF-style: chr2-220343893-C-T.
Identifiers: ClinVar variation 723972 (VCV000723972.25), dbSNP rs151167400, ClinGen allele CA2126719.
Genomic context (GRCh38, chr2:219,479,171, plus strand): 5'-ACTGGGCACTGTTCTCCTTGATCTGGGATGTAGCTGCACAGAGGAGCTGCTGGAGCGAAT[C>T]GCCAGGAAACCCACCGTGTGTGAGTCTGAGGTGAGGGCAGTGGGTGGCAGGGGCCAGGTT-3'
Protein context (NP_005867.3, residues 1675-1695): ELCTEELLER[Ile1685=]ARKPTVCESE